The following is an entry in ClinVar:

ClinVar aggregate classification (germline): Uncertain significance. Review status: criteria provided, multiple submitters, no conflicts (2 of 4 stars). 2 submissions from 2 submitters: Uncertain significance (2). Last evaluated 2024-03-05.

Conditions:
Hereditary cancer-predisposing syndrome. Also called: Hereditary neoplastic syndrome; Tumor predisposition; Hereditary Cancer Syndrome; Neoplastic Syndromes, Hereditary. Identifiers: Orphanet 140162, MedGen C0027672, MeSH D009386, MONDO:0015356.
Gastrointestinal stromal tumor. Also called: Gastrointestinal stroma tumor; Gastrointestinal stromal tumor, somatic. Identifiers: Orphanet 44890, MedGen C0238198, MeSH D046152, MONDO:0011719, OMIM 606764, HP:0100723.

Allele frequency attached by ClinVar (database versions not stated): gnomAD exomes below 0.00001.
gnomAD v4.1: 1 of 1,614,030 alleles (0.000062%); highest among the groups gnomAD compares: Non-Finnish European, 0.000085%; no homozygotes.

Submissions (2):

Labcorp Genetics (formerly Invitae), Labcorp
Classification: Uncertain significance for Gastrointestinal stromal tumor. Last evaluated: 2024-03-05. Review status: criteria provided, single submitter. Criteria: Invitae Variant Classification Sherloc (09022015). Collection method: clinical testing. Allele origin: germline.
Comment: This sequence change replaces valine, which is neutral and non-polar, with leucine, which is neutral and non-polar, at codon 533 of the PDGFRA protein (p.Val533Leu). This variant is not present in population databases (gnomAD no frequency). This variant has not been reported in the literature in individuals affected with PDGFRA-related conditions. ClinVar contains an entry for this variant (Variation ID: 1479706). Advanced modeling of protein sequence and biophysical properties (such as structural, functional, and spatial information, amino acid conservation, physicochemical variation, residue mobility, and thermodynamic stability) performed at Invitae indicates that this missense variant is not expected to disrupt PDGFRA protein function with a negative predictive value of 80%. In summary, the available evidence is currently insufficient to determine the role of this variant in disease. Therefore, it has been classified as a Variant of Uncertain Significance.

Ambry Genetics
Classification: Uncertain significance for Hereditary cancer-predisposing syndrome. Last evaluated: 2023-02-23. Review status: criteria provided, single submitter. Criteria: Ambry Variant Classification Scheme 2023. Collection method: clinical testing. Allele origin: germline.
Comment: The p.V533L variant (also known as c.1597G>T), located in coding exon 10 of the PDGFRA gene, results from a G to T substitution at nucleotide position 1597. The valine at codon 533 is replaced by leucine, an amino acid with highly similar properties. This amino acid position is conserved. In addition, the in silico prediction for this alteration is inconclusive. Since supporting evidence is limited at this time, the clinical significance of this alteration remains unclear.

NM_006206.6(PDGFRA):c.1597G>T (p.Val533Leu)

Gene: PDGFRA (platelet derived growth factor receptor alpha; plus strand). Cytogenetic location: 4q12.
Variant type: single nucleotide variant.
Coding change: c.1597G>T on transcript NM_006206.6 (MANE Select); coding-DNA position 1597, G replaced by T.
Protein change: p.Val533Leu; replaces valine 533 with leucine.
Molecular consequence: missense variant.
Genome position (GRCh38, 1-based): chr4:54,274,569, G>T. VCF-style: chr4-54274569-G-T. GRCh37 (hg19) VCF-style: chr4-55140736-G-T.
Other names: c.1597G>T (NM_006206.4); c.1597G>T, p.Val533Leu (NM_001347827.2, NM_001347829.2); c.1672G>T, p.Val558Leu (NM_001347828.2); c.1636G>T, p.Val546Leu (NM_001347830.2); short protein forms V533L, V558L, V546L.
Identifiers: ClinVar variation 1479706 (VCV001479706.8), dbSNP rs1723603347, ClinGen allele CA356892894.
Genomic context (GRCh38, chr4:54,274,569, plus strand): 5'-GCCTCTCTCTCTTGTCACGTAGCCCTGCGTTCTGAACTCACGGTGGCTGCTGCAGTCCTG[G>T]TGCTGTTGGTGATTGTGATCATCTCACTTATTGTCCTGGTTGTCATTTGGAAACAGGTAG-3'
Protein context (NP_006197.1, residues 523-543): SELTVAAAVL[Val533Leu]LLVIVIISLI